The following is an entry in ClinVar:

ClinVar aggregate classification (germline): Conflicting classifications of pathogenicity. Review status: criteria provided, conflicting classifications (1 of 4 stars). 4 submissions from 4 submitters: Uncertain significance (1); Likely benign (1). 2 of the submissions do not count toward it. Last evaluated 2026-03-01.

Conditions:
Left ventricular noncompaction 8 (LVNC8). Identifiers: Orphanet 154, Orphanet 54260, MedGen C3809288, MONDO:0014152, OMIM 615373.

Allele frequency attached by ClinVar (database versions not stated): ExAC 0.00003; gnomAD 0.00003; gnomAD exomes 0.00004; ESP Exome Variant Server 0.00008; TOPMed 0.00003.
gnomAD v4.1: 72 of 1,613,220 alleles (0.0045%); highest among the groups gnomAD compares: Middle Eastern, 0.016%; 1 homozygote.

Submissions (4):

CeGaT Center for Human Genetics Tuebingen
Classification: Likely benign. Last evaluated: 2026-03-01. Review status: criteria provided, single submitter. Criteria: CeGaT Center For Human Genetics Tuebingen Variant Classification Criteria Version 2. Collection method: clinical testing. Allele origin: germline. Affected: yes. Observed: 1 variant allele.
Comment: PRDM16: BS2

Labcorp Genetics (formerly Invitae), Labcorp
Classification: Uncertain significance for Left ventricular noncompaction 8. Last evaluated: 2023-07-27. Review status: criteria provided, single submitter. Criteria: Invitae Variant Classification Sherloc (09022015). Collection method: clinical testing. Allele origin: germline.
Comment: In summary, the available evidence is currently insufficient to determine the role of this variant in disease. Therefore, it has been classified as a Variant of Uncertain Significance. An algorithm developed to predict the effect of missense changes on protein structure and function (PolyPhen-2) suggests that this variant is likely to be disruptive. ClinVar contains an entry for this variant (Variation ID: 933990). This variant has not been reported in the literature in individuals affected with PRDM16-related conditions. This variant is present in population databases (rs201119848, gnomAD 0.006%). This sequence change replaces arginine, which is basic and polar, with glutamine, which is neutral and polar, at codon 888 of the PRDM16 protein (p.Arg888Gln).

Clinical Genetics, Academic Medical Center
Classification: Uncertain significance. Review status: no assertion criteria provided. Collection method: clinical testing. Allele origin: germline. Affected: yes. Study: VKGL Data-share Consensus. Not counted in ClinVar's aggregate classification.

Diagnostic Laboratory, Department of Genetics, University Medical Center Groningen
Classification: Uncertain significance. Review status: no assertion criteria provided. Collection method: clinical testing. Allele origin: germline. Affected: yes. Study: VKGL Data-share Consensus. Not counted in ClinVar's aggregate classification.

NM_022114.4(PRDM16):c.2663G>A (p.Arg888Gln)

Gene: PRDM16 (PR/SET domain 16; plus strand). Cytogenetic location: 1p36.32.
Variant type: single nucleotide variant.
Coding change: c.2663G>A on transcript NM_022114.4 (MANE Select); coding-DNA position 2663, G replaced by A.
Protein change: p.Arg888Gln; replaces arginine 888 with glutamine.
Molecular consequence: missense variant.
Genome position (GRCh38, 1-based): chr1:3,414,619, G>A. VCF-style: chr1-3414619-G-A. GRCh37 (hg19) VCF-style: chr1-3331183-G-A.
Other names: c.2663G>A, p.Arg888Gln (NM_199454.3); short protein forms R888Q.
Identifiers: ClinVar variation 933990 (VCV000933990.14), dbSNP rs201119848, ClinGen allele CA544555.